The following is an entry in ClinVar:

ClinVar aggregate classification (germline): Uncertain significance (1 of 4 stars; one submission).

Conditions:
Hereditary cancer-predisposing syndrome. Also called: Neoplastic Syndromes, Hereditary; Tumor predisposition; Hereditary neoplastic syndrome; Hereditary Cancer Syndrome. Identifiers: Orphanet 140162, MedGen C0027672, MeSH D009386, MONDO:0015356.

gnomAD v4.1: 1 of 1,613,288 alleles (0.000062%); highest among the groups gnomAD compares: Non-Finnish European, 0.000085%; no homozygotes.

Submission:

Ambry Genetics
Classification: Uncertain significance for Hereditary cancer-predisposing syndrome. Last evaluated: 2026-07-20. Review status: criteria provided, single submitter. Criteria: Ambry Variant Classification Scheme 2023. Collection method: clinical testing. Allele origin: germline.
Comment: The p.R1303S variant (also known as c.3907C>A), located in coding exon 23 of the PTCH1 gene, results from a C to A substitution at nucleotide position 3907. The arginine at codon 1303 is replaced by serine, an amino acid with dissimilar properties. This amino acid position is not well conserved in available vertebrate species. In addition, this alteration is predicted to be tolerated by in silico analysis. Based on the available evidence, the clinical significance of this variant remains unclear.

NM_000264.5(PTCH1):c.3907C>A (p.Arg1303Ser)

Gene: PTCH1 (patched 1; minus strand). Cytogenetic location: 9q22.32.
Variant type: single nucleotide variant.
Coding change: c.3907C>A on transcript NM_000264.5 (MANE Select); coding-DNA position 3907, C replaced by A.
Protein change: p.Arg1303Ser; replaces arginine 1303 with serine.
Molecular consequence: missense variant. On other transcripts: non-coding transcript variant (1).
Genome position (GRCh38, 1-based): chr9:95,447,349, G>T on the plus strand (C>A on the coding strand, the complement: PTCH1 is on the minus strand). VCF-style: chr9-95447349-G-T. GRCh37 (hg19) VCF-style: chr9-98209631-G-T.
Other names: c.3709C>A, p.Arg1237Ser (NM_001083602.3); c.3904C>A, p.Arg1302Ser (NM_001083603.3); c.3454C>A, p.Arg1152Ser (NM_001083604.3, NM_001083605.3, NM_001083606.3 and 1 more transcripts); c.3751C>A, p.Arg1251Ser (NM_001354918.2); short protein forms R1302S, R1237S, R1251S, R1152S, R1303S.
Identifiers: ClinVar variation 5027519 (VCV005027519.1).
Genomic context (GRCh38, chr9:95,447,349, plus strand): 5'-AAGCGTCTCTGCGCGGTCTGTAGGGGGGTGGCCACAAGCCTTCTCTGGGGGGGTCCCTGC[G>T]GGGCTGCTGGCCTTGCCGTCCGGGAGGCAGGGACCCTGAGTCCAGGTGGGGCTGCTGTCT-3'
Protein context (NP_000255.2, residues 1293-1313): LPPGRQGQQP[Arg1303Ser]RDPPREGLWP